The following is an entry in ClinVar:

ClinVar aggregate classification (germline): Uncertain significance (1 of 4 stars; one submission).

Conditions:
Familial thoracic aortic aneurysm and aortic dissection (TAAD). Also called: Thoracic aortic aneurysms and dissections. Identifiers: Orphanet 91387, MedGen C4707243, MONDO:0019625.

gnomAD v4.1: 1 of 1,613,476 alleles (0.000062%); highest among the groups gnomAD compares: East Asian, 0.0022%; no homozygotes.

Submission:

Color Diagnostics, LLC DBA Color Health
Classification: Uncertain significance for Familial thoracic aortic aneurysm and aortic dissection. Last evaluated: 2025-08-25. Review status: criteria provided, single submitter. Criteria: ACMG Guidelines, 2015. Collection method: clinical testing. Allele origin: germline.
Comment: This missense variant replaces asparagine with aspartic acid at codon 543 of the FBN1 protein. Computational prediction suggests that this variant may not impact protein structure and function. To our knowledge, functional studies have not been reported for this variant. This variant has not been reported in individuals affected with FBN1-related disorders in the literature. This variant has not been identified in the general population by the Genome Aggregation Database (gnomAD). The available evidence is insufficient to determine the role of this variant in disease conclusively. Therefore, this variant is classified as a Variant of Uncertain Significance.

NM_000138.5(FBN1):c.1627A>G (p.Asn543Asp)

Gene: FBN1 (fibrillin 1; minus strand). Cytogenetic location: 15q21.1.
Variant type: single nucleotide variant.
Coding change: c.1627A>G on transcript NM_000138.5 (MANE Select); coding-DNA position 1627, A replaced by G.
Protein change: p.Asn543Asp; replaces asparagine 543 with aspartic acid.
Molecular consequence: missense variant.
Genome position (GRCh38, 1-based): chr15:48,510,131, T>C on the plus strand (A>G on the coding strand, the complement: FBN1 is on the minus strand). VCF-style: chr15-48510131-T-C. GRCh37 (hg19) VCF-style: chr15-48802328-T-C.
Other names: c.1627A>G, p.Asn543Asp (NM_001406716.1); short protein forms N543D.
Identifiers: ClinVar variation 4757833 (VCV004757833.1).